The following is an entry in ClinVar:

ClinVar aggregate classification (germline): Uncertain significance (1 of 4 stars; one submission).

Allele frequency attached by ClinVar (database versions not stated): TOPMed 0.00004; gnomAD 0.00006; ESP Exome Variant Server 0.00015.
gnomAD v4.1: 11 of 1,614,046 alleles (0.00068%); highest among the groups gnomAD compares: African/African-American, 0.015%; no homozygotes.

Submission:

Labcorp Genetics (formerly Invitae), Labcorp
Classification: Uncertain significance. Last evaluated: 2022-01-21. Review status: criteria provided, single submitter. Criteria: Invitae Variant Classification Sherloc (09022015). Collection method: clinical testing. Allele origin: germline.
Comment: This sequence change replaces aspartic acid, which is acidic and polar, with histidine, which is basic and polar, at codon 168 of the ASCC1 protein (p.Asp168His). This variant is present in population databases (rs368470267, gnomAD 0.03%). This variant has not been reported in the literature in individuals affected with ASCC1-related conditions. Algorithms developed to predict the effect of missense changes on protein structure and function are either unavailable or do not agree on the potential impact of this missense change (SIFT: "Deleterious"; PolyPhen-2: "Probably Damaging"; Align-GVGD: "Class C0"). In summary, the available evidence is currently insufficient to determine the role of this variant in disease. Therefore, it has been classified as a Variant of Uncertain Significance.

NM_001198800.3(ASCC1):c.502G>C (p.Asp168His)

Gene: ASCC1 (activating signal cointegrator 1 complex subunit 1; minus strand). Cytogenetic location: 10q22.1.
Variant type: single nucleotide variant.
Coding change: c.502G>C on transcript NM_001198800.3 (MANE Select); coding-DNA position 502, G replaced by C.
Protein change: p.Asp168His; replaces aspartic acid 168 with histidine.
Molecular consequence: missense variant. On other transcripts: non-coding transcript variant (1).
Genome position (GRCh38, 1-based): chr10:72,161,662, C>G on the plus strand (G>C on the coding strand, the complement: ASCC1 is on the minus strand). VCF-style: chr10-72161662-C-G. GRCh37 (hg19) VCF-style: chr10-73921420-C-G.
Other names: c.502G>C, p.Asp168His (NM_001198798.2, NM_001369087.1, NM_001369088.1 and 18 more transcripts); c.586G>C, p.Asp196His (NM_001198799.3); c.568G>C, p.Asp190His (NM_001369085.1, NM_001369086.1, NM_001369099.1); c.385G>C, p.Asp129His (NM_001369101.1, NM_001369102.1, NM_001369105.1 and 2 more transcripts); short protein forms D168H, D190H, D129H, D196H.
Identifiers: ClinVar variation 1942128 (VCV001942128.2), dbSNP rs368470267, ClinGen allele CA5548996.
Genomic context (GRCh38, chr10:72,161,662, plus strand): 5'-AAAGCACCAACATCCCAATAGTTAGATGAAGCTTTTTAGGATTCTGGAAAATGCTGCTGT[C>G]AACCCCATGATCCTGTTATCAAAGAGAGAAAAACAAGAAACTCAGCCCATACAAAGGCAA-3'
Protein context (NP_001185729.1, residues 158-178): LAKCSMDHGV[Asp168His]SSIFQNPKKL